The following is an entry in ClinVar:

ClinVar aggregate classification (germline): Uncertain significance (1 of 4 stars; one submission).

Submission:

Labcorp Genetics (formerly Invitae), Labcorp
Classification: Uncertain significance. Last evaluated: 2024-12-24. Review status: criteria provided, single submitter. Criteria: Invitae Variant Classification Sherloc (09022015). Collection method: clinical testing. Allele origin: germline.
Comment: This sequence change replaces isoleucine, which is neutral and non-polar, with leucine, which is neutral and non-polar, at codon 95 of the GUF1 protein (p.Ile95Leu). This variant is not present in population databases (gnomAD no frequency). This variant has not been reported in the literature in individuals affected with GUF1-related conditions. Invitae Evidence Modeling of protein sequence and biophysical properties (such as structural, functional, and spatial information, amino acid conservation, physicochemical variation, residue mobility, and thermodynamic stability) indicates that this missense variant is not expected to disrupt GUF1 protein function with a negative predictive value of 80%. In summary, the available evidence is currently insufficient to determine the role of this variant in disease. Therefore, it has been classified as a Variant of Uncertain Significance.

NM_021927.3(GUF1):c.283A>C (p.Ile95Leu)

Gene: GUF1 (GTP binding elongation factor GUF1; plus strand). Cytogenetic location: 4p12.
Variant type: single nucleotide variant.
Coding change: c.283A>C on transcript NM_021927.3 (MANE Select); coding-DNA position 283, A replaced by C.
Protein change: p.Ile95Leu; replaces isoleucine 95 with leucine.
Molecular consequence: missense variant. On other transcripts: 5 prime UTR variant (2).
Genome position (GRCh38, 1-based): chr4:44,680,699, A>C. VCF-style: chr4-44680699-A-C. GRCh37 (hg19) VCF-style: chr4-44682716-A-C.
Other names: c.-686A>C (NM_001345867.2); c.283A>C, p.Ile95Leu (NM_001345868.2); c.-690A>C (NM_001345869.2); short protein forms I95L.
Identifiers: ClinVar variation 3667957 (VCV003667957.2).